The following is an entry in ClinVar:

NM_005732.4(RAD50):c.659C>T (p.Ala220Val)

Gene: RAD50 (RAD50 double strand break repair protein; plus strand). Cytogenetic location: 5q31.1.
Variant type: single nucleotide variant.
Coding change: c.659C>T on transcript NM_005732.4 (MANE Select); coding-DNA position 659, C replaced by T.
Protein change: p.Ala220Val; replaces alanine 220 with valine.
Molecular consequence: missense variant.
Genome position (GRCh38, 1-based): chr5:132,579,969, C>T. VCF-style: chr5-132579969-C-T. GRCh37 (hg19) VCF-style: chr5-131915661-C-T.
Other names: c.659C>T (NM_005732.3); short protein forms A220V.
Identifiers: ClinVar variation 1408457 (VCV001408457.8), dbSNP rs2149837999, ClinGen allele CA360936248.

ClinVar aggregate classification (germline): Uncertain significance. Review status: criteria provided, multiple submitters, no conflicts (2 of 4 stars). 2 submissions from 2 submitters: Uncertain significance (2). Last evaluated 2025-03-06.

Conditions:
Hereditary cancer-predisposing syndrome. Also called: Hereditary Cancer Syndrome; Tumor predisposition; Hereditary neoplastic syndrome; Neoplastic Syndromes, Hereditary. Identifiers: Orphanet 140162, MedGen C0027672, MeSH D009386, MONDO:0015356.

gnomAD v4.1: 1 of 1,612,440 alleles (0.000062%); no homozygotes.

Submissions (2):

Quest Diagnostics Nichols Institute San Juan Capistrano
Classification: Uncertain significance. Last evaluated: 2025-03-06. Review status: criteria provided, single submitter. Criteria: Quest Diagnostics criteria. Collection method: clinical testing. Allele origin: unknown.
Comment: The RAD50 c.659C>T (p.Ala220Val) variant has been reported in the published literature in an individual at high risk for breast and/or ovarian cancer (PMID: 38874686 (2024)). This variant has not been reported in large, multi-ethnic general populations (Genome Aggregation Database). Analysis of this variant using bioinformatics tools for the prediction of the effect of amino acid changes on protein structure and function yielded conflicting predictions that this variant is benign or damaging. Based on the available information, we are unable to determine the clinical significance of this variant.

Labcorp Genetics (formerly Invitae), Labcorp
Classification: Uncertain significance for Hereditary cancer-predisposing syndrome. Last evaluated: 2023-07-12. Review status: criteria provided, single submitter. Criteria: Invitae Variant Classification Sherloc (09022015). Collection method: clinical testing. Allele origin: germline.
Comment: This variant is not present in population databases (gnomAD no frequency). In summary, the available evidence is currently insufficient to determine the role of this variant in disease. Therefore, it has been classified as a Variant of Uncertain Significance. Advanced modeling of protein sequence and biophysical properties (such as structural, functional, and spatial information, amino acid conservation, physicochemical variation, residue mobility, and thermodynamic stability) performed at Invitae indicates that this missense variant is expected to disrupt RAD50 protein function. ClinVar contains an entry for this variant (Variation ID: 1408457). This variant has not been reported in the literature in individuals affected with RAD50-related conditions. This sequence change replaces alanine, which is neutral and non-polar, with valine, which is neutral and non-polar, at codon 220 of the RAD50 protein (p.Ala220Val).

Literature cited by the submitters: PubMed 38874686 (cited by Quest Diagnostics Nichols Institute San Juan Capistrano).